The following is an entry in ClinVar:

NM_024422.6(DSC2):c.1673C>T (p.Thr558Ile)

Gene: DSC2 (desmocollin 2; minus strand). Cytogenetic location: 18q12.1.
Variant type: single nucleotide variant.
Coding change: c.1673C>T on transcript NM_024422.6 (MANE Select); coding-DNA position 1673, C replaced by T.
Protein change: p.Thr558Ile; replaces threonine 558 with isoleucine.
Molecular consequence: missense variant.
Genome position (GRCh38, 1-based): chr18:31,074,898, G>A on the plus strand (C>T on the coding strand, the complement: DSC2 is on the minus strand). VCF-style: chr18-31074898-G-A. GRCh37 (hg19) VCF-style: chr18-28654864-G-A.
Other names: c.1673C>T, p.Thr558Ile (NM_004949.5); short protein forms T558I.
Identifiers: ClinVar variation 928278 (VCV000928278.3), dbSNP rs1277586365, ClinGen allele CA402114485.
Genomic context (GRCh38, chr18:31,074,898, plus strand): 5'-GGTATGAATGGGCTGTTATCATTCACGTCTTGAAGTATAATGCCCAGTGTCCCCGTACAT[G>A]TTCTCCCTCCTAGAAAAATGAAAATAAAAATAGTTTTTCTATGTTTTGAGTTTTCACCAC-3'
Protein context (NP_077740.1, residues 548-568): TVLASDQGGR[Thr558Ile]CTGTLGIILQ

ClinVar aggregate classification (germline): Uncertain significance (1 of 4 stars; one submission).

Conditions:
Cardiomyopathy (CMYO). Also called: Cardiomyopathies. Identifiers: Orphanet 167848, MedGen C0878544, MONDO:0004994, HP:0001638. Inheritance: Various modes of inheritance.

gnomAD v4.1: 1 of 1,613,346 alleles (0.000062%); highest among the groups gnomAD compares: East Asian, 0.0022%; no homozygotes.

Submission:

Color Diagnostics, LLC DBA Color Health
Classification: Uncertain significance for Cardiomyopathy. Last evaluated: 2019-11-26. Review status: criteria provided, single submitter. Criteria: ACMG Guidelines, 2015. Collection method: clinical testing. Allele origin: germline.
Comment: This missense variant replaces threonine with isoleucine at codon 558 of the DSC2 protein. Computational prediction suggests that this variant may not impact protein structure and function (internally defined REVEL score threshold <= 0.5, PMID: 27666373). Splice site prediction tools suggest that this variant may not impact RNA splicing. To our knowledge, functional studies have not been performed for this variant. This variant has not been reported in individuals affected with cardiovascular disorders in the literature. This variant has not been identified in the general population by the Genome Aggregation Database (gnomAD). The available evidence is insufficient to determine the role of this variant in disease conclusively. Therefore, this variant is classified as a Variant of Uncertain Significance.